The following is an entry in ClinVar:

ClinVar aggregate classification (germline): Uncertain significance (1 of 4 stars; one submission).

Submission:

Labcorp Genetics (formerly Invitae), Labcorp
Classification: Uncertain significance. Last evaluated: 2023-09-08. Review status: criteria provided, single submitter. Criteria: Invitae Variant Classification Sherloc (09022015). Collection method: clinical testing. Allele origin: germline.
Comment: In summary, the available evidence is currently insufficient to determine the role of this variant in disease. Therefore, it has been classified as a Variant of Uncertain Significance. Advanced modeling of protein sequence and biophysical properties (such as structural, functional, and spatial information, amino acid conservation, physicochemical variation, residue mobility, and thermodynamic stability) has been performed at Invitae for this missense variant, however the output from this modeling did not meet the statistical confidence thresholds required to predict the impact of this variant on ARHGEF10 protein function. This variant has not been reported in the literature in individuals affected with ARHGEF10-related conditions. This variant is not present in population databases (gnomAD no frequency). This sequence change replaces proline, which is neutral and non-polar, with glutamine, which is neutral and polar, at codon 385 of the ARHGEF10 protein (p.Pro385Gln).

NM_014629.4(ARHGEF10):c.1154C>A (p.Pro385Gln)

Gene: ARHGEF10 (Rho guanine nucleotide exchange factor 10; plus strand). Cytogenetic location: 8p23.3.
Variant type: single nucleotide variant.
Coding change: c.1154C>A on transcript NM_014629.4 (MANE Select); coding-DNA position 1154, C replaced by A.
Protein change: p.Pro385Gln; replaces proline 385 with glutamine.
Molecular consequence: missense variant.
Genome position (GRCh38, 1-based): chr8:1,885,679, C>A. VCF-style: chr8-1885679-C-A. GRCh37 (hg19) VCF-style: chr8-1833845-C-A.
Other names: c.1040C>A, p.Pro347Gln (NM_001308152.2); c.1157C>A, p.Pro386Gln (NM_001308153.3); short protein forms P385Q, P347Q, P410Q, P386Q.
Identifiers: ClinVar variation 2759198 (VCV002759198.3), dbSNP rs139937386, ClinGen allele CA369957764.
Genomic context (GRCh38, chr8:1,885,679, plus strand): 5'-AGGAAGAACAGAATTTGTTCATTGATGTTGACTGCAAGCACCCGGAAGCCATCTTGACCC[C>A]GATGCCCGAGGGTTTATCTCAGCAGCAGGTGAGATGAGCAGAGCTGACAGGGGCTGTTGA-3'
Protein context (NP_055444.2, residues 375-395): DCKHPEAILT[Pro385Gln]MPEGLSQQQV